The following is an entry in ClinVar:

NM_000257.4(MYH7):c.2246T>C (p.Leu749Pro)

Gene: MYH7 (myosin heavy chain 7; minus strand). Cytogenetic location: 14q11.2.
Variant type: single nucleotide variant.
Coding change: c.2246T>C on transcript NM_000257.4 (MANE Select); coding-DNA position 2246, T replaced by C.
Protein change: p.Leu749Pro; replaces leucine 749 with proline.
Molecular consequence: missense variant.
Genome position (GRCh38, 1-based): chr14:23,425,735, A>G on the plus strand (T>C on the coding strand, the complement: MYH7 is on the minus strand). VCF-style: chr14-23425735-A-G. GRCh37 (hg19) VCF-style: chr14-23894944-A-G.
Other names: c.2246T>C, p.Leu749Pro (NM_001407004.1); short protein forms L749P.
Identifiers: ClinVar variation 4082561 (VCV004082561.1).

ClinVar aggregate classification (germline): Likely pathogenic (1 of 4 stars; one submission).

Submission:

GeneDx
Classification: Likely pathogenic. Last evaluated: 2025-03-05. Review status: criteria provided, single submitter. Criteria: GeneDx Variant Classification Process June 2021. Collection method: clinical testing. Allele origin: germline. Affected: yes.
Comment: Has not been previously published as pathogenic or benign to our knowledge; Not observed at significant frequency in large population cohorts (gnomAD); In silico analysis supports that this missense variant has a deleterious effect on protein structure/function; This variant is associated with the following publications: (PMID: 27532257, 29300372)